The following is an entry in ClinVar:

NM_001018115.3(FANCD2):c.695+6_695+11del

Genes: FANCD2 (FA complementation group D2; plus strand), LOC107303338 (3p25 FANCD2 Alu-mediated recombination region; plus strand). Cytogenetic location: 3p25.3.
Variant type: Deletion.
Coding change: c.695+6_695+11del on transcript NM_001018115.3 (MANE Select); bases 6 to 11 of the intron after coding-DNA position 695, 6 bases deleted (TAAACC; older notation c.695+6_695+11delTAAACC).
Molecular consequence: intron variant.
Genome position (GRCh38, 1-based): chr3:10,039,851-10,039,856, TAAACC deleted. VCF-style (leftmost placement, unchanged base first): chr3-10039850-ATAAACC-A. GRCh37 (hg19) VCF-style: chr3-10081534-ATAAACC-A.
Other names: c.695+6_695+11del (NM_001319984.2, NM_001374253.1, NM_033084.6 and 2 more transcripts).
Identifiers: ClinVar variation 1382174 (VCV001382174.6), dbSNP rs2124985470, ClinGen allele CA2573136068.

ClinVar aggregate classification (germline): Uncertain significance (1 of 4 stars; one submission).

Conditions:
Fanconi anemia (FA). Also called: Fanconi's anemia. Identifiers: Orphanet 84, MedGen C0015625, MeSH D005199, MONDO:0019391.

Allele frequency attached by ClinVar (database versions not stated): gnomAD exomes below 0.00001.

Submission:

Labcorp Genetics (formerly Invitae), Labcorp
Classification: Uncertain significance for Fanconi anemia. Last evaluated: 2021-05-10. Review status: criteria provided, single submitter. Criteria: Invitae Variant Classification Sherloc (09022015). Collection method: clinical testing. Allele origin: germline.
Comment: Nucleotide substitutions within the consensus splice site are a relatively common cause of aberrant splicing (PMID: 17576681, 9536098). Algorithms developed to predict the effect of sequence changes on RNA splicing suggest that this variant is not likely to affect RNA splicing, but this prediction has not been confirmed by published transcriptional studies. In summary, the available evidence is currently insufficient to determine the role of this variant in disease. Therefore, it has been classified as a Variant of Uncertain Significance. This variant has not been reported in the literature in individuals with FANCD2-related conditions. This sequence change falls in intron 9 of the FANCD2 gene. It does not directly change the encoded amino acid sequence of the FANCD2 protein. It affects a nucleotide within the consensus splice site of the intron. This variant is not present in population databases (ExAC no frequency).

Literature cited by the submitters: PubMed 17576681; PubMed 9536098.